The following is an entry in ClinVar:

NM_004004.6(GJB2):c.-30C>T

Gene: GJB2 (gap junction protein beta 2; minus strand). Cytogenetic location: 13q12.11.
Variant type: single nucleotide variant.
Coding change: c.-30C>T on transcript NM_004004.6 (MANE Select); 30 bases upstream of the start codon, C replaced by T.
Molecular consequence: 5 prime UTR variant.
Genome position (GRCh38, 1-based): chr13:20,192,790, G>A on the plus strand (C>T on the coding strand, the complement: GJB2 is on the minus strand). VCF-style: chr13-20192790-G-A. GRCh37 (hg19) VCF-style: chr13-20766929-G-A.
Identifiers: ClinVar variation 44719 (VCV000044719.6), dbSNP rs397516867, ClinGen allele CA134944.
Genomic context (GRCh38, chr13:20,192,790, plus strand): 5'-GTCCCTCCCCGCGCCAGGTTCCTGGCCGGGCAGTCCGGGGCCGGCGGGCTCACCTGCGTC[G>A]GGAGGAAGCGCGGCGGGGCCGGGGCGGGGGTCTCGGCGTTGGGGTCTCTGCGCTGGGGCT-3'

ClinVar aggregate classification (germline): Conflicting classifications of pathogenicity. Review status: criteria provided, conflicting classifications (1 of 4 stars). 3 submissions from 3 submitters: Uncertain significance (2); Likely benign (1). Last evaluated 2024-05-08.

Allele frequency attached by ClinVar (database versions not stated): gnomAD 0.00004; TOPMed 0.00011.

Submissions (3):

Blueprint Genetics
Classification: Likely benign. Last evaluated: 2024-05-08. Review status: criteria provided, single submitter. Criteria: ACMG Guidelines, 2015. Collection method: clinical testing. Allele origin: germline.

Women's Health and Genetics/Laboratory Corporation of America, LabCorp
Classification: Uncertain significance. Last evaluated: 2022-01-11. Review status: criteria provided, single submitter. Criteria: LabCorp Variant Classification Summary - May 2015. Collection method: clinical testing. Allele origin: germline.

Laboratory for Molecular Medicine, Mass General Brigham Personalized Medicine
Classification: Uncertain significance. Last evaluated: 2011-02-11. Review status: criteria provided, single submitter. Criteria: LMM Criteria. Collection method: clinical testing. Allele origin: germline. Observed: 1 variant allele.
Comment: Variant classified as Uncertain Significance - Favor Benign. The -3209C>T varian t in GJB2 has not been reported in the literature nor previously identified by o ur laboratory. This variant is located in the 5'UTR. Although we cannot rule out a deleterious impact on the regulation of splicing or translation of GJB2, to d ate no disease-causing variants have been found in this region of the transcript . In summary, the clinical significance of this variant cannot be determined wit h certainty at this time; however based upon the available data, we would lean t owards a more likely benign role.